The following is an entry in ClinVar:

NM_133642.5(LARGE1):c.8G>C (p.Gly3Ala)

Gene: LARGE1 (LARGE xylosyl- and glucuronyltransferase 1; minus strand). Cytogenetic location: 22q12.3.
Variant type: single nucleotide variant.
Coding change: c.8G>C on transcript NM_133642.5 (MANE Select); coding-DNA position 8, G replaced by C.
Protein change: p.Gly3Ala; replaces glycine 3 with alanine.
Molecular consequence: missense variant.
Genome position (GRCh38, 1-based): chr22:33,761,469, C>G on the plus strand (G>C on the coding strand, the complement: LARGE1 is on the minus strand). VCF-style: chr22-33761469-C-G. GRCh37 (hg19) VCF-style: chr22-34157456-C-G.
Other names: c.8G>C, p.Gly3Ala (NM_001362949.2, NM_001362951.2, NM_001362953.2 and 7 more transcripts); short protein forms G3A.
Identifiers: ClinVar variation 1441736 (VCV001441736.5), dbSNP rs780682266, ClinGen allele CA10203185.
Genomic context (GRCh38, chr22:33,761,469, plus strand): 5'-GCTGGGATGCAGAGAAGACTCAACGAGGCAGCCAAGAATTTCCGTCTCCCCCTGCAGATT[C>G]CCAGCATCCTCTCAGAAGTGGCAATCCCTAATCCCAGCGCCGTTTCTCTGTCCGGAGCAT-3'
Protein context (NP_598397.1, residues 1-13): ML[Gly3Ala]ICRGRRKFLA

ClinVar aggregate classification (germline): Uncertain significance (1 of 4 stars; one submission).

Conditions:
Muscular dystrophy-dystroglycanopathy type B6 (MDDGB6). Also called: MUSCULAR DYSTROPHY-DYSTROGLYCANOPATHY (CONGENITAL WITH IMPAIRED INTELLECTUAL DEVELOPMENT), TYPE B, 6; MUSCULAR DYSTROPHY, CONGENITAL, LARGE-RELATED; MUSCULAR DYSTROPHY, CONGENITAL, TYPE 1D. Identifiers: MedGen C1837229, MONDO:0012138, OMIM 608840.

Allele frequency attached by ClinVar (database versions not stated): gnomAD exomes below 0.00001; ExAC 0.00001; gnomAD 0.00001; TOPMed 0.00001.
gnomAD v4.1: 4 of 1,613,478 alleles (0.00025%); highest among the groups gnomAD compares: African/African-American, 0.0053%; no homozygotes.

Submission:

Labcorp Genetics (formerly Invitae), Labcorp
Classification: Uncertain significance for Muscular dystrophy-dystroglycanopathy type B6. Last evaluated: 2022-10-24. Review status: criteria provided, single submitter. Criteria: Invitae Variant Classification Sherloc (09022015). Collection method: clinical testing. Allele origin: germline.
Comment: This sequence change replaces glycine, which is neutral and non-polar, with alanine, which is neutral and non-polar, at codon 3 of the LARGE1 protein (p.Gly3Ala). This variant is present in population databases (rs780682266, gnomAD 0.007%). This variant has not been reported in the literature in individuals affected with LARGE1-related conditions. ClinVar contains an entry for this variant (Variation ID: 1441736). Algorithms developed to predict the effect of missense changes on protein structure and function are either unavailable or do not agree on the potential impact of this missense change (SIFT: "Deleterious"; PolyPhen-2: "Benign"; Align-GVGD: "Class C0"). In summary, the available evidence is currently insufficient to determine the role of this variant in disease. Therefore, it has been classified as a Variant of Uncertain Significance.